The following is an entry in ClinVar:

ClinVar aggregate classification (germline): Uncertain significance (1 of 4 stars; one submission).

Conditions:
Hyperaldosteronism, familial, type IV (HALD4). Also called: FH IV; ALDOSTERONISM, PRIMARY, AND HYPERTENSION. Identifiers: Orphanet 642671, MedGen C4310756, MONDO:0014875, OMIM 617027.
Idiopathic generalized epilepsy. Also called: EIG; Generalised epilepsy. Identifiers: MedGen C0270850, MONDO:0005579, OMIM 600669.

gnomAD v4.1: 5 of 1,543,690 alleles (0.00032%); highest among the groups gnomAD compares: Non-Finnish European, 0.00043%; no homozygotes.

Submission:

Labcorp Genetics (formerly Invitae), Labcorp
Classification: Uncertain significance for Idiopathic generalized epilepsy; Hyperaldosteronism, familial, type IV. Last evaluated: 2021-12-29. Review status: criteria provided, single submitter. Criteria: Invitae Variant Classification Sherloc (09022015). Collection method: clinical testing. Allele origin: germline.
Comment: This sequence change replaces glutamic acid, which is acidic and polar, with glutamine, which is neutral and polar, at codon 2176 of the CACNA1H protein (p.Glu2176Gln). This variant is not present in population databases (gnomAD no frequency). This variant has not been reported in the literature in individuals affected with CACNA1H-related conditions. Advanced modeling of protein sequence and biophysical properties (such as structural, functional, and spatial information, amino acid conservation, physicochemical variation, residue mobility, and thermodynamic stability) performed at Invitae indicates that this missense variant is not expected to disrupt CACNA1H protein function. In summary, the available evidence is currently insufficient to determine the role of this variant in disease. Therefore, it has been classified as a Variant of Uncertain Significance.

NM_021098.3(CACNA1H):c.6526G>C (p.Glu2176Gln)

Gene: CACNA1H (calcium voltage-gated channel subunit alpha1 H; plus strand). Cytogenetic location: 16p13.3.
Variant type: single nucleotide variant.
Coding change: c.6526G>C on transcript NM_021098.3 (MANE Select); coding-DNA position 6526, G replaced by C.
Protein change: p.Glu2176Gln; replaces glutamic acid 2176 with glutamine.
Molecular consequence: missense variant.
Genome position (GRCh38, 1-based): chr16:1,220,458, G>C. VCF-style: chr16-1220458-G-C. GRCh37 (hg19) VCF-style: chr16-1270458-G-C.
Other names: c.6508G>C, p.Glu2170Gln (NM_001005407.2); short protein forms E2170Q, E2176Q.
Identifiers: ClinVar variation 1418561 (VCV001418561.6), dbSNP rs768826048, ClinGen allele CA394149899.